The following is an entry in ClinVar:

ClinVar aggregate classification (germline): Pathogenic (1 of 4 stars; one submission).

Conditions:
Familial hypocalciuric hypercalcemia (FHH). Also called: Familial benign hypercalcemia. Identifiers: Orphanet 405, MedGen C1809471, MONDO:0018458.

Submission:

Women's Health and Genetics/Laboratory Corporation of America, LabCorp
Classification: Pathogenic for Familial hypocalciuric hypercalcemia. Last evaluated: 2026-04-29. Review status: criteria provided, single submitter. Criteria: LabCorp Variant Classification Summary - May 2015. Collection method: clinical testing. Allele origin: germline.
Comment: Variant summary: CASR c.2243dupC (p.Ser749ValfsX11) results in a premature termination codon in the last exon predicted to cause a truncation of the encoded protein. howeer, nonsense mediated decay is not expected to occur. The frequency data for this variant in gnomAD is considered unreliable, as metrics indicate poor data quality at this position. c.2243dupC has been observed in a multigene panel testing for skeletal disorders (MacCarrick_2024). These report(s) strong suggests that this variant is likely to be associated with Familial Hypocalciuric Hypercalcemia. To our knowledge, no experimental evidence demonstrating an impact on protein function has been reported. At least one downstream variant has been classified as Pathogenic/Likely Pathogenic (c.3044delC, p.Pro1015ArgfsX9) by our lab, providing evidence that the region altered by the variant is critical to protein function. The following publication have been ascertained in the context of this evaluation (PMID: 38702915). No submitters have cited clinical-significance assessments for this variant to ClinVar. Based on the evidence outlined above, the variant was classified as pathogenic.

Literature cited by the submitters: PubMed 38702915.

NM_000388.4(CASR):c.2243dup (p.Ser749fs)

Gene: CASR (calcium sensing receptor; plus strand). Cytogenetic location: 3q21.1.
Variant type: Duplication.
Coding change: c.2243dup on transcript NM_000388.4 (MANE Select); coding-DNA position 2243, one base duplicated (C; older notation c.2243dupC).
Protein change: p.Ser749fs; shifts the reading frame from serine 749.
Molecular consequence: frameshift variant.
Genome position (GRCh38, 1-based): chr3:122,284,197, C duplicated; the last of 5 consecutive C bases (chr3:122,284,193-122,284,197); duplicating any one gives the same sequence. VCF-style (leftmost placement, unchanged base first): chr3-122284192-G-GC. GRCh37 (hg19) VCF-style: chr3-122003039-G-GC.
Other names: c.2273dup, p.Ser759fs (NM_001178065.2); c.2243dupC (NM_000388.4); short protein forms S749fs, S759fs.
Identifiers: ClinVar variation 4848474 (VCV004848474.1).